The following is an entry in ClinVar:

ClinVar aggregate classification (germline): Uncertain significance (1 of 4 stars; one submission).

Allele frequency attached by ClinVar (database versions not stated): gnomAD exomes below 0.00001; ExAC 0.00002; TOPMed 0.00002.
gnomAD v4.1: 3 of 1,614,012 alleles (0.00019%); highest among the groups gnomAD compares: Admixed American, 0.0017%; no homozygotes.

Submission:

Labcorp Genetics (formerly Invitae), Labcorp
Classification: Uncertain significance. Last evaluated: 2024-01-08. Review status: criteria provided, single submitter. Criteria: Invitae Variant Classification Sherloc (09022015). Collection method: clinical testing. Allele origin: germline.
Comment: This sequence change replaces lysine, which is basic and polar, with glutamine, which is neutral and polar, at codon 830 of the NAA15 protein (p.Lys830Gln). This variant is present in population databases (rs748153505, gnomAD 0.006%). This variant has not been reported in the literature in individuals affected with NAA15-related conditions. An algorithm developed to predict the effect of missense changes on protein structure and function (PolyPhen-2) suggests that this variant is likely to be tolerated. In summary, the available evidence is currently insufficient to determine the role of this variant in disease. Therefore, it has been classified as a Variant of Uncertain Significance.

NM_057175.5(NAA15):c.2488A>C (p.Lys830Gln)

Gene: NAA15 (N-alpha-acetyltransferase 15, NatA auxiliary subunit; plus strand). Cytogenetic location: 4q31.1.
Variant type: single nucleotide variant.
Coding change: c.2488A>C on transcript NM_057175.5 (MANE Select); coding-DNA position 2488, A replaced by C.
Protein change: p.Lys830Gln; replaces lysine 830 with glutamine.
Molecular consequence: missense variant.
Genome position (GRCh38, 1-based): chr4:139,387,971, A>C. VCF-style: chr4-139387971-A-C. GRCh37 (hg19) VCF-style: chr4-140309125-A-C.
Other names: c.2485A>C, p.Lys829Gln (NM_001410842.1); c.*897A>C (NM_025085.2); short protein forms K829Q, K830Q.
Identifiers: ClinVar variation 2721626 (VCV002721626.3), dbSNP rs748153505, ClinGen allele CA3083861.